The following is an entry in ClinVar:

NM_032119.4(ADGRV1):c.14586C>G (p.Phe4862Leu)

Gene: ADGRV1 (adhesion G protein-coupled receptor V1; plus strand). Cytogenetic location: 5q14.3.
Variant type: single nucleotide variant.
Coding change: c.14586C>G on transcript NM_032119.4 (MANE Select); coding-DNA position 14586, C replaced by G.
Protein change: p.Phe4862Leu; replaces phenylalanine 4862 with leucine.
Molecular consequence: missense variant. On other transcripts: non-coding transcript variant (1).
Genome position (GRCh38, 1-based): chr5:90,802,807, C>G. VCF-style: chr5-90802807-C-G. GRCh37 (hg19) VCF-style: chr5-90098624-C-G.
Other names: short protein forms F4862L.
Identifiers: ClinVar variation 1957366 (VCV001957366.2), dbSNP rs1451377528, ClinGen allele CA360405003.

ClinVar aggregate classification (germline): Uncertain significance (1 of 4 stars; one submission).

Allele frequency attached by ClinVar (database versions not stated): gnomAD exomes below 0.00001.
gnomAD v4.1: 1 of 1,612,596 alleles (0.000062%); highest among the groups gnomAD compares: Admixed American, 0.0017%; no homozygotes.

Submission:

Labcorp Genetics (formerly Invitae), Labcorp
Classification: Uncertain significance. Last evaluated: 2022-07-23. Review status: criteria provided, single submitter. Criteria: Invitae Variant Classification Sherloc (09022015). Collection method: clinical testing. Allele origin: germline.
Comment: This sequence change replaces phenylalanine, which is neutral and non-polar, with leucine, which is neutral and non-polar, at codon 4862 of the ADGRV1 protein (p.Phe4862Leu). This variant is present in population databases (no rsID available, gnomAD 0.003%). This variant has not been reported in the literature in individuals affected with ADGRV1-related conditions. Algorithms developed to predict the effect of missense changes on protein structure and function output the following: SIFT: "Tolerated"; PolyPhen-2: "Benign"; Align-GVGD: "Class C0". The leucine amino acid residue is found in multiple mammalian species, which suggests that this missense change does not adversely affect protein function. In summary, the available evidence is currently insufficient to determine the role of this variant in disease. Therefore, it has been classified as a Variant of Uncertain Significance.